The following is an entry in ClinVar:

ClinVar aggregate classification (germline): Uncertain significance (1 of 4 stars; one submission).

Conditions:
Pontocerebellar hypoplasia type 1A (PCH1A). Also called: PONTOCEREBELLAR HYPOPLASIA WITH ANTERIOR HORN CELL DISEASE; PONTOCEREBELLAR HYPOPLASIA WITH INFANTILE SPINAL MUSCULAR ATROPHY. Identifiers: Orphanet 2254, Orphanet 88616, MedGen C1843504, MONDO:0011866, OMIM 607596.

Submission:

Labcorp Genetics (formerly Invitae), Labcorp
Classification: Uncertain significance for Pontocerebellar hypoplasia type 1A. Last evaluated: 2021-05-18. Review status: criteria provided, single submitter. Criteria: Invitae Variant Classification Sherloc (09022015). Collection method: clinical testing. Allele origin: germline.
Comment: This variant has not been reported in the literature in individuals with VRK1-related conditions. In summary, the available evidence is currently insufficient to determine the role of this variant in disease. Therefore, it has been classified as a Variant of Uncertain Significance. Experimental studies and prediction algorithms are not available or were not evaluated, and the functional significance of this variant is currently unknown. This variant is not present in population databases (ExAC no frequency). This variant, c.529_534dup, results in the insertion of 2 amino acid(s) to the VRK1 protein (p.Asp177_Ile178dup), but otherwise preserves the integrity of the reading frame.

NM_003384.3(VRK1):c.529_534dup (p.Asp177_Ile178dup)

Gene: VRK1 (VRK serine/threonine kinase 1; plus strand). Cytogenetic location: 14q32.2.
Variant type: Duplication.
Coding change: c.529_534dup on transcript NM_003384.3 (MANE Select); coding-DNA positions 529 to 534, 6 bases duplicated (GATATC; older notation c.529_534dupGATATC).
Protein change: p.Asp177_Ile178dup.
Molecular consequence: inframe insertion.
Genome position (GRCh38, 1-based): chr14:96,853,119-96,853,124, GATATC duplicated. VCF-style (leftmost placement, unchanged base first): chr14-96853118-A-AGATATC. GRCh37 (hg19) VCF-style: chr14-97319455-A-AGATATC.
Identifiers: ClinVar variation 1449708 (VCV001449708.9), dbSNP rs2139796397, ClinGen allele CA2573150444.